The following is an entry in ClinVar:

ClinVar aggregate classification (germline): Uncertain significance. Review status: criteria provided, multiple submitters, no conflicts (2 of 4 stars). 3 submissions from 3 submitters: Uncertain significance (3). Last evaluated 2024-07-23.

Conditions:
Tuberous sclerosis 2 (TSC2). Identifiers: Orphanet 805, MedGen C1860707, MONDO:0013199, OMIM 613254.
Hereditary cancer-predisposing syndrome. Also called: Neoplastic Syndromes, Hereditary; Tumor predisposition; Hereditary Cancer Syndrome; Hereditary neoplastic syndrome. Identifiers: Orphanet 140162, MedGen C0027672, MeSH D009386, MONDO:0015356.

Submissions (3):

Ambry Genetics
Classification: Uncertain significance for Hereditary cancer-predisposing syndrome. Last evaluated: 2024-07-23. Review status: criteria provided, single submitter. Criteria: Ambry Variant Classification Scheme 2023. Collection method: clinical testing. Allele origin: germline.
Comment: The p.R1335M variant (also known as c.4004G>T), located in coding exon 32 of the TSC2 gene, results from a G to T substitution at nucleotide position 4004. The arginine at codon 1335 is replaced by methionine, an amino acid with similar properties. This amino acid position is conserved. In addition, this alteration is predicted to be deleterious by in silico analysis. Based on the available evidence, the clinical significance of this variant remains unclear.

Labcorp Genetics (formerly Invitae), Labcorp
Classification: Uncertain significance for Tuberous sclerosis 2. Last evaluated: 2024-01-15. Review status: criteria provided, single submitter. Criteria: Invitae Variant Classification Sherloc (09022015). Collection method: clinical testing. Allele origin: germline.
Comment: This sequence change replaces arginine, which is basic and polar, with methionine, which is neutral and non-polar, at codon 1335 of the TSC2 protein (p.Arg1335Met). This variant is not present in population databases (gnomAD no frequency). This variant has not been reported in the literature in individuals affected with TSC2-related conditions. ClinVar contains an entry for this variant (Variation ID: 2570923). An algorithm developed to predict the effect of missense changes on protein structure and function (PolyPhen-2) suggests that this variant is likely to be disruptive. In summary, the available evidence is currently insufficient to determine the role of this variant in disease. Therefore, it has been classified as a Variant of Uncertain Significance.

CeGaT Center for Human Genetics Tuebingen
Classification: Uncertain significance. Last evaluated: 2023-05-01. Review status: criteria provided, single submitter. Criteria: CeGaT Center For Human Genetics Tuebingen Variant Classification Criteria Version 2. Collection method: clinical testing. Allele origin: germline. Affected: yes. Observed: 1 variant allele.
Comment: TSC2: PM2

NM_000548.5(TSC2):c.4004G>T (p.Arg1335Met)

Gene: TSC2 (TSC complex subunit 2; plus strand). Cytogenetic location: 16p13.3.
Variant type: single nucleotide variant.
Coding change: c.4004G>T on transcript NM_000548.5 (MANE Select); coding-DNA position 4004, G replaced by T.
Protein change: p.Arg1335Met; replaces arginine 1335 with methionine.
Molecular consequence: missense variant. On other transcripts: non-coding transcript variant (5).
Genome position (GRCh38, 1-based): chr16:2,083,815, G>T. VCF-style: chr16-2083815-G-T. GRCh37 (hg19) VCF-style: chr16-2133816-G-T.
Other names: c.3803G>T, p.Arg1268Met (NM_001077183.3); c.3935G>T, p.Arg1312Met (NM_001114382.3); c.3695G>T, p.Arg1232Met (NM_001318827.2); c.3659G>T, p.Arg1220Met (NM_001318829.2); c.3272G>T, p.Arg1091Met (NM_001318831.2); c.3836G>T, p.Arg1279Met (NM_001318832.2); c.3806G>T, p.Arg1269Met (NM_001363528.2); c.3872G>T, p.Arg1291Met (NM_001370404.1); and 26 more; short protein forms R1068M, R1069M, R1091M, R1111M, R1112M, R1115M, R1135M, R1219M.
Identifiers: ClinVar variation 2570923 (VCV002570923.31), dbSNP rs1403658994, ClinGen allele CA394297868.